The following is an entry in ClinVar:

NM_003868.3(FGF16):c.534A>C (p.Lys178Asn)

Gene: FGF16 (fibroblast growth factor 16; plus strand). Cytogenetic location: Xq21.1.
Variant type: single nucleotide variant.
Coding change: c.534A>C on transcript NM_003868.3 (MANE Select); coding-DNA position 534, A replaced by C.
Protein change: p.Lys178Asn; replaces lysine 178 with asparagine.
Molecular consequence: missense variant.
Genome position (GRCh38, 1-based): chrX:77,456,432, A>C. VCF-style: chrX-77456432-A-C. GRCh37 (hg19) VCF-style: chrX-76711923-A-C.
Other names: short protein forms K178N.
Identifiers: ClinVar variation 2660953 (VCV002660953.24), dbSNP rs782795164, ClinGen allele CA10457351.

ClinVar aggregate classification (germline): Uncertain significance (1 of 4 stars; one submission).

Allele frequency attached by ClinVar (database versions not stated): gnomAD 0.00001; TOPMed 0.00001; gnomAD exomes 0.00002; ExAC 0.00003.
gnomAD v4.1: 22 of 1,207,391 alleles (0.0018%); highest among the groups gnomAD compares: Non-Finnish European, 0.0018%; no homozygotes.

Submission:

CeGaT Center for Human Genetics Tuebingen
Classification: Uncertain significance. Last evaluated: 2022-07-01. Review status: criteria provided, single submitter. Criteria: CeGaT Center For Human Genetics Tuebingen Variant Classification Criteria Version 2. Collection method: clinical testing. Allele origin: germline. Affected: yes. Observed: 1 variant allele.
Comment: FGF16: PP3